The following is an entry in ClinVar:

NM_177438.3(DICER1):c.1329C>T (p.Cys443=)

Gene: DICER1 (dicer 1, ribonuclease III; minus strand). Cytogenetic location: 14q32.13.
Variant type: single nucleotide variant.
Coding change: c.1329C>T on transcript NM_177438.3 (MANE Select); coding-DNA position 1329, C replaced by T.
Protein change: p.Cys443=; no amino-acid change (cysteine 443 retained).
Molecular consequence: synonymous variant.
Genome position (GRCh38, 1-based): chr14:95,124,243, G>A on the plus strand (C>T on the coding strand, the complement: DICER1 is on the minus strand). VCF-style: chr14-95124243-G-A. GRCh37 (hg19) VCF-style: chr14-95590580-G-A.
Other names: c.1329C>T, p.Cys443= (NM_001195573.1, NM_001271282.3, NM_001291628.2 and 1 more transcripts).
Identifiers: ClinVar variation 417078 (VCV000417078.34), dbSNP rs776143079, ClinGen allele CA7331506.

ClinVar aggregate classification (germline): Benign/Likely benign. Review status: criteria provided, multiple submitters, no conflicts (2 of 4 stars). 8 submissions from 8 submitters: Benign (3); Likely benign (4). 1 of the submissions does not count toward it. Last evaluated 2026-04-15.

Conditions:
DICER1-related disorder. Also called: DICER1-related condition.
DICER1-related tumor predisposition. Also called: DICER1 syndrome; DICER1-related pleuropulmonary blastoma cancer predisposition syndrome. Identifiers: Orphanet 284343, MedGen C3839822, MONDO:0100216.
Hereditary cancer-predisposing syndrome. Also called: Tumor predisposition; Hereditary neoplastic syndrome; Hereditary Cancer Syndrome; Neoplastic Syndromes, Hereditary. Identifiers: Orphanet 140162, MedGen C0027672, MeSH D009386, MONDO:0015356.
Pleuropulmonary blastoma (PPB). Identifiers: Orphanet 64742, MedGen C1266144, MONDO:0011014, OMIM 601200, HP:0100528.

Allele frequency attached by ClinVar (database versions not stated): gnomAD 0.00003 and 0.00004; TOPMed 0.00003; ExAC 0.00005; gnomAD exomes 0.00006 and 0.00007.
gnomAD v4.1: 88 of 1,613,614 alleles (0.0055%); highest among the groups gnomAD compares: East Asian, 0.027%; no homozygotes.

Submissions (8):

Myriad Genetics, Inc.
Classification: Benign for DICER1-related tumor predisposition. Last evaluated: 2026-04-15. Review status: criteria provided, single submitter. Criteria: Myriad Autosomal Dominant, Autosomal Recessive and X-Linked Classification Criteria (2023). Collection method: clinical testing. Allele origin: unknown.
Comment: This variant is considered benign. This variant is a silent/synonymous amino acid change and it is not expected to impact splicing.

Labcorp Genetics (formerly Invitae), Labcorp
Classification: Benign for DICER1-related tumor predisposition. Last evaluated: 2026-01-26. Review status: criteria provided, single submitter. Criteria: Invitae Variant Classification Sherloc (09022015). Collection method: clinical testing. Allele origin: germline.

Quest Diagnostics Nichols Institute San Juan Capistrano
Classification: Benign. Last evaluated: 2025-07-22. Review status: criteria provided, single submitter. Criteria: Quest Diagnostics criteria. Collection method: clinical testing. Allele origin: unknown.

CeGaT Center for Human Genetics Tuebingen
Classification: Likely benign. Last evaluated: 2025-02-01. Review status: criteria provided, single submitter. Criteria: CeGaT Center For Human Genetics Tuebingen Variant Classification Criteria Version 2. Collection method: clinical testing. Allele origin: germline. Affected: yes. Observed: 1 variant allele.
Comment: DICER1: BP4, BP7

Hereditary Cancer Group, L’Institut d'Investigació Biomèdica de Bellvitge
Classification: Likely benign for Hereditary cancer-predisposing syndrome. Last evaluated: 2024-12-19. Review status: criteria provided, single submitter. Criteria: Hatton et al. (Hum Mutat. 2023). Collection method: clinical testing. Allele origin: germline. Inheritance: Autosomal dominant inheritance. Affected: yes.
Comment: BS1, BP4, BP7

KCCC/NGS Laboratory, Kuwait Cancer Control Center
Classification: Likely benign for Pleuropulmonary blastoma. Last evaluated: 2023-07-07. Review status: criteria provided, single submitter. Criteria: ACMG Guidelines, 2015. Collection method: clinical testing. Allele origin: germline. Affected: yes.

Ambry Genetics
Classification: Likely benign for Hereditary cancer-predisposing syndrome. Last evaluated: 2017-09-21. Review status: criteria provided, single submitter. Criteria: Ambry Variant Classification Scheme 2023. Collection method: clinical testing. Allele origin: germline.

PreventionGenetics, part of Exact Sciences
Classification: Likely benign for DICER1-related condition. Last evaluated: 2019-03-04. Review status: no assertion criteria provided. Collection method: clinical testing. Allele origin: germline. Not counted in ClinVar's aggregate classification.
Comment: This variant is classified as likely benign based on ACMG/AMP sequence variant interpretation guidelines (Richards et al. 2015 PMID: 25741868, with internal and published modifications).